The following is an entry in ClinVar:

NM_003193.5(TBCE):c.309T>G (p.Ile103Met)

Gene: TBCE (tubulin folding cofactor E; plus strand). Cytogenetic location: 1q42.3.
Variant type: single nucleotide variant.
Coding change: c.309T>G on transcript NM_003193.5 (MANE Select); coding-DNA position 309, T replaced by G.
Protein change: p.Ile103Met; replaces isoleucine 103 with methionine.
Molecular consequence: missense variant. On other transcripts: 5 prime UTR variant (1).
Genome position (GRCh38, 1-based): chr1:235,414,556, T>G. VCF-style: chr1-235414556-T-G. GRCh37 (hg19) VCF-style: chr1-235577871-T-G.
Other names: c.309T>G, p.Ile103Met (NM_001079515.3, NM_001287801.2); c.-87T>G (NM_001287802.2); short protein forms I103M.
Identifiers: ClinVar variation 1473145 (VCV001473145.1), dbSNP rs1162828786, ClinGen allele CA344923819.

ClinVar aggregate classification (germline): Uncertain significance (1 of 4 stars; one submission).

Allele frequency attached by ClinVar (database versions not stated): gnomAD exomes below 0.00001; TOPMed below 0.00001; gnomAD 0.00001.
gnomAD v4.1: 5 of 1,613,928 alleles (0.00031%); highest among the groups gnomAD compares: East Asian, 0.011%; no homozygotes.

Submission:

Labcorp Genetics (formerly Invitae), Labcorp
Classification: Uncertain significance. Last evaluated: 2021-09-04. Review status: criteria provided, single submitter. Criteria: Invitae Variant Classification Sherloc (09022015). Collection method: clinical testing. Allele origin: germline.
Comment: This sequence change replaces isoleucine with methionine at codon 103 of the TBCE protein (p.Ile103Met). The isoleucine residue is weakly conserved and there is a small physicochemical difference between isoleucine and methionine. This variant is not present in population databases (ExAC no frequency). This variant has not been reported in the literature in individuals affected with TBCE-related conditions. Algorithms developed to predict the effect of missense changes on protein structure and function (SIFT, PolyPhen-2, Align-GVGD) all suggest that this variant is likely to be tolerated. In summary, the available evidence is currently insufficient to determine the role of this variant in disease. Therefore, it has been classified as a Variant of Uncertain Significance.